The following is an entry in ClinVar:

ClinVar aggregate classification (germline): Uncertain significance (1 of 4 stars; one submission).

Conditions:
Epilepsy. Also called: Seizure disorder. Identifiers: MedGen C0014544, MeSH D004827, MONDO:0005027.

Allele frequency attached by ClinVar (database versions not stated): TOPMed below 0.00001; gnomAD 0.00001; gnomAD exomes 0.00001; ExAC 0.00002; ESP Exome Variant Server 0.00008.
gnomAD v4.1: 23 of 1,609,772 alleles (0.0014%); highest among the groups gnomAD compares: East Asian, 0.027%; no homozygotes.

Submission:

Labcorp Genetics (formerly Invitae), Labcorp
Classification: Uncertain significance for Epilepsy. Last evaluated: 2023-01-26. Review status: criteria provided, single submitter. Criteria: Invitae Variant Classification Sherloc (09022015). Collection method: clinical testing. Allele origin: germline.
Comment: In summary, the available evidence is currently insufficient to determine the role of this variant in disease. Therefore, it has been classified as a Variant of Uncertain Significance. Algorithms developed to predict the effect of missense changes on protein structure and function output the following: SIFT: "Tolerated"; PolyPhen-2: "Benign"; Align-GVGD: "Class C0". The glutamine amino acid residue is found in multiple mammalian species, which suggests that this missense change does not adversely affect protein function. This variant has not been reported in the literature in individuals affected with PIGQ-related conditions. This variant is present in population databases (rs146187126, gnomAD 0.01%). This sequence change replaces arginine, which is basic and polar, with glutamine, which is neutral and polar, at codon 95 of the PIGQ protein (p.Arg95Gln).

NM_004204.5(PIGQ):c.284G>A (p.Arg95Gln)

Gene: PIGQ (phosphatidylinositol glycan anchor biosynthesis class Q; plus strand). Cytogenetic location: 16p13.3.
Variant type: single nucleotide variant.
Coding change: c.284G>A on transcript NM_004204.5 (MANE Select); coding-DNA position 284, G replaced by A.
Protein change: p.Arg95Gln; replaces arginine 95 with glutamine.
Molecular consequence: missense variant.
Genome position (GRCh38, 1-based): chr16:574,358, G>A. VCF-style: chr16-574358-G-A. GRCh37 (hg19) VCF-style: chr16-624358-G-A.
Other names: c.284G>A, p.Arg95Gln (NM_148920.4); short protein forms R95Q.
Identifiers: ClinVar variation 2173296 (VCV002173296.3), dbSNP rs146187126, ClinGen allele CA7779825.